The following is an entry in ClinVar:

ClinVar aggregate classification (germline): Uncertain significance (1 of 4 stars; one submission).

Conditions:
Progressive sclerosing poliodystrophy (MTDPS4A). Also called: ALPERS PROGRESSIVE INFANTILE POLIODYSTROPHY; NEURONAL DEGENERATION OF CHILDHOOD WITH LIVER DISEASE, PROGRESSIVE; Mitochondrial DNA depletion syndrome 4A (Alpers type); Mitochondrial DNA Depletion Syndrome 4A; Alpers-Huttenlocher Syndrome (AHS); Alpers Syndrome. Identifiers: Orphanet 726, MedGen C0205710, MONDO:0008758, OMIM 203700.

gnomAD v4.1: 1 of 1,613,394 alleles (0.000062%); highest among the groups gnomAD compares: Non-Finnish European, 0.000085%; no homozygotes.

Submission:

Labcorp Genetics (formerly Invitae), Labcorp
Classification: Uncertain significance for Progressive sclerosing poliodystrophy. Last evaluated: 2024-01-29. Review status: criteria provided, single submitter. Criteria: Invitae Variant Classification Sherloc (09022015). Collection method: clinical testing. Allele origin: germline.
Comment: This sequence change falls in intron 22 of the POLG gene. It does not directly change the encoded amino acid sequence of the POLG protein. It affects a nucleotide within the consensus splice site. This variant is not present in population databases (gnomAD no frequency). This variant has not been reported in the literature in individuals affected with POLG-related conditions. Experimental studies and prediction algorithms are not available or were not evaluated, and the functional significance of this variant is currently unknown. Variants that disrupt the consensus splice site are a relatively common cause of aberrant splicing (PMID: 17576681, 9536098). Algorithms developed to predict the effect of sequence changes on RNA splicing suggest that this variant is not likely to affect RNA splicing. In summary, the available evidence is currently insufficient to determine the role of this variant in disease. Therefore, it has been classified as a Variant of Uncertain Significance.

Literature cited by the submitters: PubMed 17576681; PubMed 9536098.

NM_002693.3(POLG):c.3643+6C>G

Gene: POLG (DNA polymerase gamma, catalytic subunit; minus strand). Cytogenetic location: 15q26.1.
Variant type: single nucleotide variant.
Coding change: c.3643+6C>G on transcript NM_002693.3 (MANE Select); 6 bases into the intron after coding-DNA position 3643, C replaced by G.
Molecular consequence: intron variant.
Genome position (GRCh38, 1-based): chr15:89,317,370, G>C on the plus strand (C>G on the coding strand, the complement: POLG is on the minus strand). VCF-style: chr15-89317370-G-C. GRCh37 (hg19) VCF-style: chr15-89860601-G-C.
Other names: c.3643+6C>G (NM_001126131.2).
Identifiers: ClinVar variation 2714098 (VCV002714098.3), dbSNP rs907052263, ClinGen allele CA274539319.